The following is an entry in ClinVar:

NM_001374736.1(DST):c.9411T>G (p.Leu3137=)

Gene: DST (dystonin; minus strand). Cytogenetic location: 6p12.1.
Variant type: single nucleotide variant.
Coding change: c.9411T>G on transcript NM_001374736.1 (MANE Select); coding-DNA position 9411, T replaced by G.
Protein change: p.Leu3137=; no amino-acid change (leucine 3137 retained).
Molecular consequence: synonymous variant. On other transcripts: intron variant (6).
Genome position (GRCh38, 1-based): chr6:56,605,217, A>C on the plus strand (T>G on the coding strand, the complement: DST is on the minus strand). VCF-style: chr6-56605217-A-C. GRCh37 (hg19) VCF-style: chr6-56470015-A-C.
Other names: c.9411T>G, p.Leu3137= (NM_001374722.1); c.8778T>G, p.Leu2926= (NM_001374729.1); c.9438T>G, p.Leu3146= (NM_001374734.1); c.5185-4996T>G (NM_001144769.5); c.4771-4996T>G (NM_001144770.2); c.4651-4996T>G (NM_001374730.1, NM_001386100.1, NM_183380.4); c.3673-4996T>G (NM_015548.5).
Identifiers: ClinVar variation 5038967 (VCV005038967.1).

ClinVar aggregate classification (germline): Likely benign (1 of 4 stars; one submission).

gnomAD v4.1: 10 of 1,611,598 alleles (0.00062%); highest among the groups gnomAD compares: Admixed American, 0.0034%; no homozygotes.

Submission:

CeGaT Center for Human Genetics Tuebingen
Classification: Likely benign. Last evaluated: 2026-08-01. Review status: criteria provided, single submitter. Criteria: CeGaT Center For Human Genetics Tuebingen Variant Classification Criteria Version 2. Collection method: clinical testing. Allele origin: germline. Affected: yes. Observed: 1 variant allele.
Comment: DST: BP4, BP7